The following is an entry in ClinVar:

NM_001379180.1(ESRRB):c.934C>T (p.Arg312Cys)

Gene: ESRRB (estrogen related receptor beta; plus strand). Cytogenetic location: 14q24.3.
Variant type: single nucleotide variant.
Coding change: c.934C>T on transcript NM_001379180.1 (MANE Select); coding-DNA position 934, C replaced by T.
Protein change: p.Arg312Cys; replaces arginine 312 with cysteine.
Molecular consequence: missense variant.
Genome position (GRCh38, 1-based): chr14:76,491,530, C>T. VCF-style: chr14-76491530-C-T. GRCh37 (hg19) VCF-style: chr14-76957873-C-T.
Other names: c.871C>T, p.Arg291Cys (NM_004452.4); short protein forms R291C, R312C.
Identifiers: ClinVar variation 1695704 (VCV001695704.4), dbSNP rs1276962033, ClinGen allele CA390478962.

ClinVar aggregate classification (germline): Uncertain significance. Review status: criteria provided, multiple submitters, no conflicts (2 of 4 stars). 2 submissions from 2 submitters: Uncertain significance (2). Last evaluated 2022-02-28.

Allele frequency attached by ClinVar (database versions not stated): TOPMed below 0.00001; gnomAD 0.00001; gnomAD exomes 0.00001.
gnomAD v4.1: 8 of 1,599,066 alleles (0.0005%); highest among the groups gnomAD compares: Middle Eastern, 0.018%; no homozygotes.

Submissions (2):

Labcorp Genetics (formerly Invitae), Labcorp
Classification: Uncertain significance. Last evaluated: 2022-02-28. Review status: criteria provided, single submitter. Criteria: Invitae Variant Classification Sherloc (09022015). Collection method: clinical testing. Allele origin: germline.
Comment: This sequence change replaces arginine, which is basic and polar, with cysteine, which is neutral and slightly polar, at codon 291 of the ESRRB protein (p.Arg291Cys). The frequency data for this variant in the population databases is considered unreliable, as metrics indicate poor data quality at this position in the gnomAD database. This variant has not been reported in the literature in individuals affected with ESRRB-related conditions. Algorithms developed to predict the effect of missense changes on protein structure and function (SIFT, PolyPhen-2, Align-GVGD) all suggest that this variant is likely to be disruptive. In summary, the available evidence is currently insufficient to determine the role of this variant in disease. Therefore, it has been classified as a Variant of Uncertain Significance.

GeneDx
Classification: Uncertain significance. Last evaluated: 2022-01-11. Review status: criteria provided, single submitter. Criteria: GeneDx Variant Classification Process June 2021. Collection method: clinical testing. Allele origin: germline. Affected: yes.
Comment: Not observed at significant frequency in large population cohorts (gnomAD); In silico analysis supports that this missense variant has a deleterious effect on protein structure/function; Has not been previously published as pathogenic or benign to our knowledge